The following is an entry in ClinVar:

ClinVar aggregate classification (germline): Likely pathogenic (1 of 4 stars; one submission).

Conditions:
Rare genetic deafness. Identifiers: Orphanet 96210, MedGen C5680250.

Submission:

Laboratory for Molecular Medicine, Mass General Brigham Personalized Medicine
Classification: Likely pathogenic for Rare genetic deafness. Last evaluated: 2014-10-23. Review status: criteria provided, single submitter. Criteria: LMM Criteria. Collection method: clinical testing. Allele origin: germline. Inheritance: Autosomal dominant inheritance. Observed: 1 variant allele.
Comment: The p.Gly59Asp variant in GJB2 has not been reported in individuals with hearing loss or in large population studies. However, several missense variants at the same amino acid position (p.Gly59Ala, p.Gly59Val, p.Gly59Arg, p.Gly59Ser) have b een reported in individuals with sensorineural hearing loss with or without palm oplantar hyperkeratosis. These variants were observed to segregate in affected f amily members in several pedigrees in an autosomal dominant pattern (Heathcote 2 000, Toth 2004, Leonard 2005, Alexandrino 2005), and in one study the variant wa s confirmed to have occurred de novo (Leonard 2005). This information strongly s uggests that variants at this amino acid residue are not tolerated. In addition, computational prediction tools and conservation analysis suggest that the p.Gly 59Asp variant may impact the protein. In summary, although additional studies ar e required to fully establish its clinical significance, this variant is likely pathogenic.

Literature cited by the submitters: PubMed 10633135; PubMed 15146474; PubMed 15635064; PubMed 15952212.

NM_004004.6(GJB2):c.176G>A (p.Gly59Asp)

Gene: GJB2 (gap junction protein beta 2; minus strand). Cytogenetic location: 13q12.11.
Variant type: single nucleotide variant.
Coding change: c.176G>A on transcript NM_004004.6 (MANE Select); coding-DNA position 176, G replaced by A.
Protein change: p.Gly59Asp; replaces glycine 59 with aspartic acid.
Molecular consequence: missense variant.
Genome position (GRCh38, 1-based): chr13:20,189,406, C>T on the plus strand (G>A on the coding strand, the complement: GJB2 is on the minus strand). VCF-style: chr13-20189406-C-T. GRCh37 (hg19) VCF-style: chr13-20763545-C-T.
Other names: short protein forms G59D.
Identifiers: ClinVar variation 163520 (VCV000163520.4), dbSNP rs104894404, ClinGen allele CA273153.